The following is an entry in ClinVar:

NM_000038.6(APC):c.2211C>T (p.Tyr737=)

Gene: APC (APC regulator of Wnt signaling pathway; plus strand). Cytogenetic location: 5q22.2.
Variant type: single nucleotide variant.
Coding change: c.2211C>T on transcript NM_000038.6 (MANE Select); coding-DNA position 2211, C replaced by T.
Protein change: p.Tyr737=; no amino-acid change (tyrosine 737 retained).
Molecular consequence: synonymous variant.
Genome position (GRCh38, 1-based): chr5:112,837,805, C>T. VCF-style: chr5-112837805-C-T. GRCh37 (hg19) VCF-style: chr5-112173502-C-T.
Other names: c.2211C>T (NM_000038.5); c.2211C>T, p.Tyr737= (NM_001127510.3, NM_001354895.2); c.2157C>T, p.Tyr719= (NM_001127511.3); c.2265C>T, p.Tyr755= (NM_001354896.2); c.2241C>T, p.Tyr747= (NM_001354897.2); c.2136C>T, p.Tyr712= (NM_001354898.2); c.2127C>T, p.Tyr709= (NM_001354899.2); c.2088C>T, p.Tyr696= (NM_001354900.2); and 6 more.
Identifiers: ClinVar variation 1595105 (VCV001595105.10), dbSNP rs1765131004, ClinGen allele CA445963527.

ClinVar aggregate classification (germline): Benign/Likely benign. Review status: criteria provided, multiple submitters, no conflicts (2 of 4 stars). 3 submissions from 3 submitters: Benign (1); Likely benign (2). Last evaluated 2025-03-03.

Conditions:
Hereditary cancer-predisposing syndrome. Also called: Hereditary neoplastic syndrome; Hereditary Cancer Syndrome; Neoplastic Syndromes, Hereditary; Tumor predisposition. Identifiers: Orphanet 140162, MedGen C0027672, MeSH D009386, MONDO:0015356.
Familial adenomatous polyposis 1 (FAP1). Also called: POLYPOSIS, ADENOMATOUS INTESTINAL; FAMILIAL ADENOMATOUS POLYPOSIS 1, ATTENUATED. Identifiers: MedGen C2713442, MONDO:0021056, OMIM 175100. Disease mechanism: loss of function.

Submissions (3):

Labcorp Genetics (formerly Invitae), Labcorp
Classification: Likely benign for Familial adenomatous polyposis 1. Last evaluated: 2025-03-03. Review status: criteria provided, single submitter. Criteria: Invitae Variant Classification Sherloc (09022015). Collection method: clinical testing. Allele origin: germline.

Ambry Genetics
Classification: Likely benign for Hereditary cancer-predisposing syndrome. Last evaluated: 2025-01-06. Review status: criteria provided, single submitter. Criteria: Ambry Variant Classification Scheme 2023. Collection method: clinical testing. Allele origin: germline.

Myriad Genetics, Inc.
Classification: Benign for Familial adenomatous polyposis 1. Last evaluated: 2024-03-08. Review status: criteria provided, single submitter. Criteria: Myriad Autosomal Dominant, Autosomal Recessive and X-Linked Classification Criteria (2023). Collection method: clinical testing. Allele origin: unknown.
Comment: This variant is considered benign. This variant is a silent/synonymous amino acid change and it is not expected to impact splicing.